The following is an entry in ClinVar:

ClinVar aggregate classification (germline): Uncertain significance. Review status: criteria provided, multiple submitters, no conflicts (2 of 4 stars). 3 submissions from 3 submitters: Uncertain significance (3). Last evaluated 2025-07-30.

Conditions:
Dilated cardiomyopathy 1JJ (CMD1JJ). Identifiers: Orphanet 154, MedGen C3808935, MONDO:0014095, OMIM 615235.
Cardiovascular phenotype. Identifiers: MedGen CN230736.

Allele frequency attached by ClinVar (database versions not stated): ExAC 0.00003; gnomAD exomes 0.00003; gnomAD 0.00004; TOPMed 0.00004.
gnomAD v4.1: 31 of 1,613,790 alleles (0.0019%); highest among the groups gnomAD compares: East Asian, 0.0045%; no homozygotes.

Submissions (3):

Ambry Genetics
Classification: Uncertain significance for Cardiovascular phenotype. Last evaluated: 2025-07-30. Review status: criteria provided, single submitter. Criteria: Ambry Variant Classification Scheme 2023. Collection method: clinical testing. Allele origin: germline.
Comment: The p.T794M variant (also known as c.2381C>T), located in coding exon 18 of the LAMA4 gene, results from a C to T substitution at nucleotide position 2381. The threonine at codon 794 is replaced by methionine, an amino acid with similar properties. This amino acid position is not well conserved in available vertebrate species, and methionine is the reference amino acid in other vertebrate species. In addition, this alteration is predicted to be tolerated by in silico analysis. Since supporting evidence is limited at this time, the clinical significance of this alteration remains unclear.

Labcorp Genetics (formerly Invitae), Labcorp
Classification: Uncertain significance for Dilated cardiomyopathy 1JJ. Last evaluated: 2022-02-04. Review status: criteria provided, single submitter. Criteria: Invitae Variant Classification Sherloc (09022015). Collection method: clinical testing. Allele origin: germline.
Comment: This variant is present in population databases (rs782325644, gnomAD 0.005%). This sequence change replaces threonine, which is neutral and polar, with methionine, which is neutral and non-polar, at codon 794 of the LAMA4 protein (p.Thr794Met). In summary, the available evidence is currently insufficient to determine the role of this variant in disease. Therefore, it has been classified as a Variant of Uncertain Significance. Algorithms developed to predict the effect of missense changes on protein structure and function output the following: SIFT: "Tolerated"; PolyPhen-2: "Benign"; Align-GVGD: "Class C0". The methionine amino acid residue is found in multiple mammalian species, which suggests that this missense change does not adversely affect protein function. ClinVar contains an entry for this variant (Variation ID: 541219). This variant has not been reported in the literature in individuals affected with LAMA4-related conditions.

Fulgent Genetics
Classification: Uncertain significance for Dilated cardiomyopathy 1JJ. Last evaluated: 2021-07-26. Review status: criteria provided, single submitter. Criteria: ACMG Guidelines, 2015. Collection method: clinical testing. Allele origin: unknown.

NM_001105206.3(LAMA4):c.2402C>T (p.Thr801Met)

Gene: LAMA4 (laminin subunit alpha 4; minus strand). Cytogenetic location: 6q21.
Variant type: single nucleotide variant.
Coding change: c.2402C>T on transcript NM_001105206.3 (MANE Select); coding-DNA position 2402, C replaced by T.
Protein change: p.Thr801Met; replaces threonine 801 with methionine.
Molecular consequence: missense variant.
Genome position (GRCh38, 1-based): chr6:112,144,885, G>A on the plus strand (C>T on the coding strand, the complement: LAMA4 is on the minus strand). VCF-style: chr6-112144885-G-A. GRCh37 (hg19) VCF-style: chr6-112466087-G-A.
Other names: c.2381C>T, p.Thr794Met (NM_001105207.3, NM_002290.5); short protein forms T794M, T801M.
Identifiers: ClinVar variation 541219 (VCV000541219.13), dbSNP rs782325644, ClinGen allele CA3965487.